The following is an entry in ClinVar:

NM_001165963.4(SCN1A):c.5018T>C (p.Ile1673Thr)

Genes: SCN1A (sodium voltage-gated channel alpha subunit 1; minus strand), LOC102724058 (uncharacterized LOC102724058; plus strand). Cytogenetic location: 2q24.3.
Variant type: single nucleotide variant.
Coding change: c.5018T>C on transcript NM_001165963.4 (MANE Select); coding-DNA position 5018, T replaced by C.
Protein change: p.Ile1673Thr; replaces isoleucine 1673 with threonine.
Molecular consequence: missense variant. On other transcripts: non-coding transcript variant (1).
Genome position (GRCh38, 1-based): chr2:165,992,257, A>G on the plus strand (T>C on the coding strand, the complement: SCN1A is on the minus strand). VCF-style: chr2-165992257-A-G. GRCh37 (hg19) VCF-style: chr2-166848767-A-G.
Other names: c.4934T>C, p.Ile1645Thr (NM_001165964.3, NM_001353957.2, NM_001353958.2); c.5018T>C, p.Ile1673Thr (NM_001202435.3, NM_001353948.2); c.4985T>C, p.Ile1662Thr (NM_001353949.2, NM_001353950.2, NM_001353951.2 and 2 more transcripts); c.4982T>C, p.Ile1661Thr (NM_001353954.2, NM_001353955.2); c.4931T>C, p.Ile1644Thr (NM_001353960.2); c.2576T>C, p.Ile859Thr (NM_001353961.2); short protein forms I1644T, I1645T, I1661T, I1662T, I1673T, I859T.
Identifiers: ClinVar variation 1300554 (VCV001300554.4), dbSNP rs2105433516, ClinGen allele CA349069678.

ClinVar aggregate classification (germline): Pathogenic/Likely pathogenic. Review status: criteria provided, multiple submitters, no conflicts (2 of 4 stars). 2 submissions from 2 submitters: Pathogenic (1); Likely pathogenic (1). Last evaluated 2025-06-29.

Conditions:
Early-infantile DEE. Also called: Early infantile epileptic encephalopathy; Early infantile epileptic encephalopathy with suppression bursts; Ohtahara syndrome. Identifiers: Orphanet 1934, MedGen C0393706, MONDO:0800491.

Submissions (2):

Labcorp Genetics (formerly Invitae), Labcorp
Classification: Pathogenic for Early-infantile DEE. Last evaluated: 2025-06-29. Review status: criteria provided, single submitter. Criteria: Invitae Variant Classification Sherloc (09022015). Collection method: clinical testing. Allele origin: germline.
Comment: This sequence change replaces isoleucine, which is neutral and non-polar, with threonine, which is neutral and polar, at codon 1673 of the SCN1A protein (p.Ile1673Thr). This variant is not present in population databases (gnomAD no frequency). This missense change has been observed in individual(s) with Dravet syndrome (PMID: 21248271). ClinVar contains an entry for this variant (Variation ID: 1300554). Invitae Evidence Modeling of protein sequence and biophysical properties (such as structural, functional, and spatial information, amino acid conservation, physicochemical variation, residue mobility, and thermodynamic stability) indicates that this missense variant is expected to disrupt SCN1A protein function with a positive predictive value of 95%. This variant disrupts the p.Ile1673 amino acid residue in SCN1A. Other variant(s) that disrupt this residue have been determined to be pathogenic (PMID: 21248271, 26339958, 28202706; internal data). This suggests that this residue is clinically significant, and that variants that disrupt this residue are likely to be disease-causing. For these reasons, this variant has been classified as Pathogenic.

GeneDx
Classification: Likely pathogenic. Last evaluated: 2021-09-15. Review status: criteria provided, single submitter. Criteria: GeneDx Variant Classification Process June 2021. Collection method: clinical testing. Allele origin: germline. Affected: yes.
Comment: In silico analysis supports that this missense variant has a deleterious effect on protein structure/function; Not observed at significant frequency in large population cohorts (Lek et al., 2016); Missense variants in this gene are often considered pathogenic (Stenson et al., 2014); This substitution is predicted to be within the transmembrane segment S5 of the fourth homologous domain; This variant is associated with the following publications: (PMID: 28150151, 33478845, 32090326, 21248271)

Literature cited by the submitters: PubMed 21248271 (cited by Labcorp Genetics (formerly Invitae), Labcorp); PubMed 26339958 (cited by Labcorp Genetics (formerly Invitae), Labcorp); PubMed 28202706 (cited by Labcorp Genetics (formerly Invitae), Labcorp).